The following is an entry in ClinVar:

NM_000329.3(RPE65):c.1194_1195insTGTCTCTTATACACAT (p.Glu399delinsCysLeuLeuTyrThrTer)

Gene: RPE65 (retinoid isomerohydrolase RPE65; minus strand). Cytogenetic location: 1p31.3.
Variant type: Insertion.
Coding change: c.1194_1195insTGTCTCTTATACACAT on transcript NM_000329.3 (MANE Select); coding-DNA positions 1194 to 1195, TGTCTCTTATACACAT inserted.
Protein change: p.Glu399delinsCysLeuLeuTyrThrTer.
Molecular consequence: nonsense.
Genome position: GRCh38 VCF-style: chr1-68431519-C-CATGTGTATAAGAGACA. GRCh37 (hg19) VCF-style: chr1-68897202-C-CATGTGTATAAGAGACA.
Other names: c.1086_1087insTGTCTCTTATACACAT, p.Glu363delinsCysLeuLeuTyrThrTer (NM_001406853.1); c.918_919insTGTCTCTTATACACAT, p.Glu307delinsCysLeuLeuTyrThrTer (NM_001406856.1, NM_001406857.1).
Identifiers: ClinVar variation 5010937 (VCV005010937.1).

ClinVar aggregate classification (germline): Pathogenic (1 of 4 stars; one submission).

Conditions:
RPE65-related recessive retinopathy. Also called: Recessive RPE65 retinopathy. Identifiers: MedGen CN305526, MONDO:0100368.

Submission:

Myriad Genetics, Inc.
Classification: Pathogenic for RPE65-related recessive retinopathy. Last evaluated: 2024-05-14. Review status: criteria provided, single submitter. Criteria: Myriad Autosomal Dominant, Autosomal Recessive and X-Linked Classification Criteria (2023). Collection method: clinical testing. Allele origin: unknown.
Comment: NM_000329.2(RPE65):c.1194_1195ins16(E399Cfs*6) is expected to be pathogenic in the context of inherited retinal dystrophy, RPE65-related. This variant is predicted to lead to an abnormal or absent protein product due to the creation of a premature termination codon in RPE65, a gene where loss-of-function variants are known to be pathogenic. Please note: this variant was assessed in the context of healthy population screening.